The following is an entry in ClinVar:

ClinVar aggregate classification (germline): Pathogenic (1 of 4 stars; one submission).

Submission:

Labcorp Genetics (formerly Invitae), Labcorp
Classification: Pathogenic. Last evaluated: 2021-09-21. Review status: criteria provided, single submitter. Criteria: Invitae Variant Classification Sherloc (09022015). Collection method: clinical testing. Allele origin: germline.
Comment: For these reasons, this variant has been classified as Pathogenic. This variant has not been reported in the literature in individuals affected with NEXMIF-related conditions. This variant is not present in population databases (ExAC no frequency). This sequence change creates a premature translational stop signal (p.Arg886*) in the NEXMIF gene. It is expected to result in an absent or disrupted protein product. Loss-of-function variants in NEXMIF are known to be pathogenic (PMID: 23615299).

Literature cited by the submitters: PubMed 23615299.

NM_001008537.3(NEXMIF):c.2656A>T (p.Arg886Ter)

Gene: NEXMIF (neurite extension and migration factor; minus strand). Cytogenetic location: Xq13.3.
Variant type: single nucleotide variant.
Coding change: c.2656A>T on transcript NM_001008537.3 (MANE Select); coding-DNA position 2656, A replaced by T.
Protein change: p.Arg886Ter; replaces arginine 886 with a stop codon.
Molecular consequence: nonsense.
Genome position (GRCh38, 1-based): chrX:74,741,901, T>A on the plus strand (A>T on the coding strand, the complement: NEXMIF is on the minus strand). VCF-style: chrX-74741901-T-A. GRCh37 (hg19) VCF-style: chrX-73961736-T-A.
Other names: short protein forms R886*.
Identifiers: ClinVar variation 1398402 (VCV001398402.6), dbSNP rs2147440054, ClinGen allele CA413667729.
Genomic context (GRCh38, chrX:74,741,901, plus strand): 5'-TTGAGACTTCAGCCATGAATTCCTGGGTGCCAGAAGTAGCCTTGTTGGGCCACACATTTC[T>A]ATAGTTGCTTGATTCCATTTTGAAGTTATGAGATGACTGCTGCAGCTCAGAGTCAGAGGA-3'